The following is an entry in ClinVar:

ClinVar aggregate classification (germline): Pathogenic. Review status: criteria provided, multiple submitters, no conflicts (2 of 4 stars). 7 submissions from 7 submitters: Pathogenic (6). 1 of the submissions does not count toward it. Last evaluated 2025-01-15.

Conditions:
CDH23-related disorder. Also called: CDH23-related disorders; CDH23-related condition.
Pituitary adenoma 5, multiple types. Identifiers: MedGen C4539685, MONDO:0054601, OMIM 617540.
Usher syndrome type 1 (USH1). Also called: RETINITIS PIGMENTOSA AND CONGENITAL DEAFNESS. Identifiers: Orphanet 231169, Orphanet 886, MedGen C1568247, MONDO:0010168, OMIM 276900.
Usher syndrome type 1D (USH1D). Also called: USHER SYNDROME, TYPE ID. Identifiers: Orphanet 231169, Orphanet 886, MedGen C1832845, MONDO:0010984, OMIM 601067.

Allele frequency attached by ClinVar (database versions not stated): gnomAD exomes below 0.00001 and 0.00001; gnomAD 0.00001.
gnomAD v4.1: 5 of 1,613,156 alleles (0.00031%); highest among the groups gnomAD compares: Admixed American, 0.0033%; no homozygotes.

Submissions (7):

Labcorp Genetics (formerly Invitae), Labcorp
Classification: Pathogenic. Last evaluated: 2025-01-15. Review status: criteria provided, single submitter. Criteria: Invitae Variant Classification Sherloc (09022015). Collection method: clinical testing. Allele origin: germline.
Comment: This sequence change creates a premature translational stop signal (p.Arg2935*) in the CDH23 gene. It is expected to result in an absent or disrupted protein product. Loss-of-function variants in CDH23 are known to be pathogenic (PMID: 11138009, 21940737). The frequency data for this variant in the population databases is considered unreliable, as metrics indicate poor data quality at this position in the gnomAD database. This premature translational stop signal has been observed in individual(s) with Usher syndrome (PMID: 25211151). ClinVar contains an entry for this variant (Variation ID: 620124). For these reasons, this variant has been classified as Pathogenic.

3billion
Classification: Pathogenic for Usher syndrome type 1D. Last evaluated: 2024-08-09. Review status: criteria provided, single submitter. Criteria: ACMG Guidelines, 2015. Collection method: clinical testing. Allele origin: germline. Affected: yes.
Comment: The variant is observed at an extremely low frequency in the gnomAD v4.0.0 dataset (total allele frequency: <0.001%). Predicted Consequence/Location: Stop-gained (nonsense): predicted to result in a loss or disruption of normal protein function through nonsense-mediated decay (NMD) or protein truncation. Multiple pathogenic variants are reported downstream of the variant. The variant has been reported at least twice as pathogenic with clinical assertions and evidence for the classification (ClinVar ID: VCV000620124 /PMID: 25211151). Therefore, this variant is classified as Pathogenic according to the recommendation of ACMG/AMP guideline.

GeneDx
Classification: Pathogenic. Last evaluated: 2024-05-17. Review status: criteria provided, single submitter. Criteria: GeneDx Variant Classification Process June 2021. Collection method: clinical testing. Allele origin: germline. Affected: yes.
Comment: Identified in patients with bilateral sensorineural hearing loss referred for genetic testing at GeneDx and in published literature; patients were younger than the expected age of onset for visual symptoms of Usher syndrome (PMID: 35020051); Nonsense variant predicted to result in protein truncation or nonsense mediated decay in a gene for which loss of function is a known mechanism of disease; Not observed at significant frequency in large population cohorts (gnomAD); This variant is associated with the following publications: (PMID: 21689626, 11750125, 25211151, 35020051)

Baylor Genetics
Classification: Pathogenic for Pituitary adenoma 5, multiple types. Last evaluated: 2023-08-13. Review status: criteria provided, single submitter. Criteria: ACMG Guidelines, 2015. Collection method: clinical testing. Allele origin: unknown.

Revvity Omics, Revvity
Classification: Pathogenic. Last evaluated: 2021-06-15. Review status: criteria provided, single submitter. Criteria: ACMG Guidelines, 2015. Collection method: clinical testing. Allele origin: germline.

Blueprint Genetics
Classification: Pathogenic for CDH23-related disorders. Last evaluated: 2017-09-26. Review status: criteria provided, single submitter. Criteria: ACMG Guidelines, 2015. Collection method: clinical testing. Allele origin: germline. Affected: yes. Observed: 1 variant allele.

Natera, Inc.
Classification: Pathogenic for Usher syndrome type 1. Last evaluated: 2020-09-16. Review status: no assertion criteria provided. Collection method: clinical testing. Allele origin: germline. Not counted in ClinVar's aggregate classification.

Literature cited by the submitters: PubMed 11138009 (cited by Labcorp Genetics (formerly Invitae), Labcorp); PubMed 21940737 (cited by Labcorp Genetics (formerly Invitae), Labcorp); PubMed 25211151 (cited by Labcorp Genetics (formerly Invitae), Labcorp and 3billion).

NM_022124.6(CDH23):c.8803C>T (p.Arg2935Ter)

Gene: CDH23 (cadherin related 23; plus strand). Cytogenetic location: 10q22.1.
Variant type: single nucleotide variant.
Coding change: c.8803C>T on transcript NM_022124.6 (MANE Select); coding-DNA position 8803, C replaced by T.
Protein change: p.Arg2935Ter; replaces arginine 2935 with a stop codon.
Molecular consequence: nonsense.
Genome position (GRCh38, 1-based): chr10:71,809,900, C>T. VCF-style: chr10-71809900-C-T. GRCh37 (hg19) VCF-style: chr10-73569657-C-T.
Other names: c.2083C>T, p.Arg695Ter (NM_001171933.1, NM_001171934.1); short protein forms R2935*, R695*.
Identifiers: ClinVar variation 620124 (VCV000620124.16), dbSNP rs1190307769, ClinGen allele CA377133251.